The following is an entry in ClinVar:

NM_000528.4(MAN2B1):c.1703C>G (p.Ala568Gly)

Gene: MAN2B1 (mannosidase alpha class 2B member 1; minus strand). Cytogenetic location: 19p13.13.
Variant type: single nucleotide variant.
Coding change: c.1703C>G on transcript NM_000528.4 (MANE Select); coding-DNA position 1703, C replaced by G.
Protein change: p.Ala568Gly; replaces alanine 568 with glycine.
Molecular consequence: missense variant.
Genome position (GRCh38, 1-based): chr19:12,655,821, G>C on the plus strand (C>G on the coding strand, the complement: MAN2B1 is on the minus strand). VCF-style: chr19-12655821-G-C. GRCh37 (hg19) VCF-style: chr19-12766635-G-C.
Other names: c.1700C>G, p.Ala567Gly (NM_001173498.2); short protein forms A567G, A568G.
Identifiers: ClinVar variation 2167615 (VCV002167615.4), dbSNP rs2023940827, ClinGen allele CA404244940.

ClinVar aggregate classification (germline): Uncertain significance (1 of 4 stars; one submission).

Conditions:
Deficiency of alpha-mannosidase (MANSA). Also called: Mannosidosis, alpha-, types I and II; LYSOSOMAL ALPHA-D-MANNOSIDASE DEFICIENCY; Alpha-Mannosidosis. Identifiers: Orphanet 61, MedGen C0024748, MONDO:0009561, OMIM 248500.

Allele frequency attached by ClinVar (database versions not stated): gnomAD 0.00001.
gnomAD v4.1: 1 of 1,613,610 alleles (0.000062%); highest among the groups gnomAD compares: Non-Finnish European, 0.000085%; no homozygotes.

Submission:

Labcorp Genetics (formerly Invitae), Labcorp
Classification: Uncertain significance for Deficiency of alpha-mannosidase. Last evaluated: 2022-08-17. Review status: criteria provided, single submitter. Criteria: Invitae Variant Classification Sherloc (09022015). Collection method: clinical testing. Allele origin: germline.
Comment: This variant has not been reported in the literature in individuals affected with MAN2B1-related conditions. This variant is not present in population databases (gnomAD no frequency). This sequence change replaces alanine, which is neutral and non-polar, with glycine, which is neutral and non-polar, at codon 568 of the MAN2B1 protein (p.Ala568Gly). Algorithms developed to predict the effect of missense changes on protein structure and function are either unavailable or do not agree on the potential impact of this missense change (SIFT: "Deleterious"; PolyPhen-2: "Possibly Damaging"; Align-GVGD: "Class C0"). In summary, the available evidence is currently insufficient to determine the role of this variant in disease. Therefore, it has been classified as a Variant of Uncertain Significance.